The following is an entry in ClinVar:

ClinVar aggregate classification (germline): Uncertain significance (1 of 4 stars; one submission).

Conditions:
Malignant hyperthermia, susceptibility to, 5 (MHS5). Also called: CACNA1S-Related Malignant Hyperthermia Susceptibility. Identifiers: Orphanet 423, MedGen C1866077, MONDO:0011163, OMIM 601887.

Submission:

All of Us Research Program, National Institutes of Health
Classification: Uncertain significance for Malignant hyperthermia, susceptibility to, 5. Last evaluated: 2024-07-29. Review status: criteria provided, single submitter. Criteria: ACMG Guidelines, 2015. Collection method: clinical testing. Allele origin: germline. Inheritance: Autosomal dominant inheritance. Observed: 1 variant allele, 1 heterozygote.
Comment: This missense variant replaces serine with arginine at codon 1771 of the CACNA1S protein. Computational prediction suggests that this variant may not impact protein structure and function (internally defined REVEL score threshold <= 0.5, PMID: 27666373). To our knowledge, functional studies have not been reported for this variant. This variant has not been reported in individuals affected with CACNA1S-related disorders in the literature. This variant has not been identified in the general population by the Genome Aggregation Database (gnomAD). The available evidence is insufficient to determine the role of this variant in disease conclusively. Therefore, this variant is classified as a Variant of Uncertain Significance.

This study involves interpretation of variants in research participants for the purpose of population health screening. Participant phenotype was not available at the time of variant classification. Additional details can be found in publication PMID: 35346344, PMCID: PMC8962531

NM_000069.3(CACNA1S):c.5313C>A (p.Ser1771Arg)

Gene: CACNA1S (calcium voltage-gated channel subunit alpha1 S; minus strand). Cytogenetic location: 1q32.1.
Variant type: single nucleotide variant.
Coding change: c.5313C>A on transcript NM_000069.3 (MANE Select); coding-DNA position 5313, C replaced by A.
Protein change: p.Ser1771Arg; replaces serine 1771 with arginine.
Molecular consequence: missense variant.
Genome position (GRCh38, 1-based): chr1:201,040,288, G>T on the plus strand (C>A on the coding strand, the complement: CACNA1S is on the minus strand). VCF-style: chr1-201040288-G-T. GRCh37 (hg19) VCF-style: chr1-201009416-G-T.
Other names: short protein forms S1771R.
Identifiers: ClinVar variation 3386270 (VCV003386270.1).